The following is an entry in ClinVar:

NM_033337.3(CAV3):c.199G>A (p.Val67Ile)

Genes: CAV3 (caveolin 3; plus strand), OXTR (oxytocin receptor; minus strand). Cytogenetic location: 3p25.3.
Variant type: single nucleotide variant.
Coding change: c.199G>A on transcript NM_033337.3 (MANE Select); coding-DNA position 199, G replaced by A.
Protein change: p.Val67Ile; replaces valine 67 with isoleucine.
Molecular consequence: missense variant.
Genome position (GRCh38, 1-based): chr3:8,745,610, G>A. VCF-style: chr3-8745610-G-A. GRCh37 (hg19) VCF-style: chr3-8787296-G-A.
Other names: c.199G>A, p.Val67Ile (NM_001234.5); c.199G>A (NM_033337.2); short protein forms V67I.
Identifiers: ClinVar variation 1062784 (VCV001062784.6), dbSNP rs2124988383, ClinGen allele CA351663277.

ClinVar aggregate classification (germline): Uncertain significance. Review status: criteria provided, multiple submitters, no conflicts (2 of 4 stars). 2 submissions from 2 submitters: Uncertain significance (2). Last evaluated 2026-04-09.

Conditions:
Cardiovascular phenotype. Identifiers: MedGen CN230736.
Long QT syndrome (LQTS). Identifiers: MedGen C0023976, MeSH D008133, MONDO:0002442. Disease mechanism: loss of function. Inheritance: Various modes of inheritance.

Submissions (2):

Ambry Genetics
Classification: Uncertain significance for Cardiovascular phenotype. Last evaluated: 2026-04-09. Review status: criteria provided, single submitter. Criteria: Ambry Variant Classification Scheme 2023. Collection method: clinical testing. Allele origin: germline.
Comment: The p.V67I variant (also known as c.199G>A), located in coding exon 2 of the CAV3 gene, results from a G to A substitution at nucleotide position 199. The valine at codon 67 is replaced by isoleucine, an amino acid with highly similar properties. This amino acid position is conserved. In addition, this alteration is predicted to be deleterious by in silico analysis. Based on the available evidence, the clinical significance of this variant remains unclear.

Labcorp Genetics (formerly Invitae), Labcorp
Classification: Uncertain significance for Long QT syndrome. Last evaluated: 2020-11-16. Review status: criteria provided, single submitter. Criteria: Invitae Variant Classification Sherloc (09022015). Collection method: clinical testing. Allele origin: germline.
Comment: This variant has not been reported in the literature in individuals with CAV3-related conditions. Algorithms developed to predict the effect of missense changes on protein structure and function are either unavailable or do not agree on the potential impact of this missense change (SIFT: "Deleterious"; PolyPhen-2: "Benign"; Align-GVGD: "Class C25"). In summary, the available evidence is currently insufficient to determine the role of this variant in disease. Therefore, it has been classified as a Variant of Uncertain Significance. This variant is not present in population databases (ExAC no frequency). This sequence change replaces valine with isoleucine at codon 67 of the CAV3 protein (p.Val67Ile). The valine residue is highly conserved and there is a small physicochemical difference between valine and isoleucine.